The following is an entry in ClinVar:

NM_000399.5(EGR2):c.1352G>T (p.Gly451Val)

Gene: EGR2 (early growth response 2; minus strand). Cytogenetic location: 10q21.3.
Variant type: single nucleotide variant.
Coding change: c.1352G>T on transcript NM_000399.5 (MANE Select); coding-DNA position 1352, G replaced by T.
Protein change: p.Gly451Val; replaces glycine 451 with valine.
Molecular consequence: missense variant.
Genome position (GRCh38, 1-based): chr10:62,813,286, C>A on the plus strand (G>T on the coding strand, the complement: EGR2 is on the minus strand). VCF-style: chr10-62813286-C-A. GRCh37 (hg19) VCF-style: chr10-64573046-C-A.
Other names: c.1352G>T, p.Gly451Val (NM_001136177.3, NM_001136178.2); c.1202G>T, p.Gly401Val (NM_001136179.3, NM_001321037.2); short protein forms G451V, G401V.
Identifiers: ClinVar variation 219918 (VCV000219918.46), dbSNP rs138967272, ClinGen allele CA348187.

ClinVar aggregate classification (germline): Benign/Likely benign. Review status: criteria provided, multiple submitters, no conflicts (2 of 4 stars). 9 submissions from 9 submitters: Benign (2); Likely benign (5). 2 of the submissions do not count toward it. Last evaluated 2026-07-01.

Conditions:
Charcot-Marie-Tooth disease, type I (CMT1). Also called: Charcot-Marie-Tooth, Type 1; Charcot-Marie-Tooth disease type 1. Identifiers: Orphanet 65753, MedGen C0751036, MONDO:0019011.
Charcot-Marie-Tooth disease type 1D. Also called: Charcot-Marie-Tooth disease, demyelinating, type 1d; CHARCOT-MARIE-TOOTH NEUROPATHY, TYPE 1D; HEREDITARY MOTOR AND SENSORY NEUROPATHY 1D; HMSN ID. Identifiers: Orphanet 101084, MedGen C1843247, MONDO:0011890, OMIM 607678.
Charcot-Marie-Tooth disease. Also called: Charcot-Marie-Tooth Neuropathy; Charcot-Marie-Tooth Hereditary Neuropathy. Identifiers: Orphanet 166, MedGen C0007959, MONDO:0015626.

Allele frequency attached by ClinVar (database versions not stated): TOPMed 0.00008; 1000 Genomes Project 30x 0.00312; 1000 Genomes Project 0.00339.
gnomAD v4.1: 929 of 1,572,584 alleles (0.059%); highest among the groups gnomAD compares: South Asian, 0.93%; 16 homozygotes.

Submissions (9):

CeGaT Center for Human Genetics Tuebingen
Classification: Likely benign. Last evaluated: 2026-07-01. Review status: criteria provided, single submitter. Criteria: CeGaT Center For Human Genetics Tuebingen Variant Classification Criteria Version 2. Collection method: clinical testing. Allele origin: germline. Affected: yes. Observed: 4 variant alleles.
Comment: EGR2: BP4, BS2

Labcorp Genetics (formerly Invitae), Labcorp
Classification: Benign for Charcot-Marie-Tooth disease, type I. Last evaluated: 2025-10-08. Review status: criteria provided, single submitter. Criteria: Invitae Variant Classification Sherloc (09022015). Collection method: clinical testing. Allele origin: germline.

GeneDx
Classification: Likely benign. Last evaluated: 2021-02-11. Review status: criteria provided, single submitter. Criteria: GeneDx Variant Classification Process June 2021. Collection method: clinical testing. Allele origin: germline. Affected: yes.
Comment: This variant is associated with the following publications: (PMID: 28902413, 11545686, 22765307)

Mendelics
Classification: Benign for Charcot-Marie-Tooth disease type 1D. Last evaluated: 2019-05-28. Review status: criteria provided, single submitter. Criteria: Mendelics Assertion Criteria 2017. Collection method: clinical testing. Allele origin: unknown.

Illumina Laboratory Services, Illumina
Classification: Likely benign for Charcot-Marie-Tooth disease type 1D. Last evaluated: 2017-04-27. Review status: criteria provided, single submitter. Criteria: ICSL Variant Classification Criteria 13 December 2019. Collection method: clinical testing. Allele origin: germline.
Comment: This variant was observed as part of a predisposition screen in an ostensibly healthy population. A literature search was performed for the gene, cDNA change, and amino acid change (where applicable). Publications were found based on this search. The evidence from the literature, in combination with allele frequency data from public databases where available, was sufficient to determine this variant is unlikely to cause disease. Therefore, this variant is classified as likely benign.

Breakthrough Genomics
Classification: Likely benign. Review status: criteria provided, single submitter. Criteria: ACMG Guidelines, 2015. Collection method: not provided. Allele origin: germline. Inheritance: Autosomal recessive inheritance. Affected: yes.

Molecular Genetics Laboratory, London Health Sciences Centre
Classification: Likely benign for Charcot-Marie-Tooth disease. Review status: criteria provided, single submitter. Criteria: ACMG Guidelines, 2015. Collection method: clinical testing. Allele origin: germline. Affected: yes.

Inherited Neuropathy Consortium Ii, University Of Miami
Classification: Uncertain significance for Charcot-Marie-Tooth disease type 1D. Last evaluated: 2016-01-06. Review status: no assertion criteria provided. Collection method: literature only. Allele origin: germline. Affected: yes. Not counted in ClinVar's aggregate classification.

Inherited Neuropathy Consortium
Classification: Uncertain significance for Charcot-Marie-Tooth disease. Review status: no assertion criteria provided. Collection method: literature only. Allele origin: germline. Affected: yes. Not counted in ClinVar's aggregate classification.

Literature cited by the submitters: PubMed 11545686 (cited by 3 submitters); PubMed 22765307 (cited by Illumina Laboratory Services, Illumina).